The following is an entry in ClinVar:

ClinVar aggregate classification (germline): Likely pathogenic (1 of 4 stars; one submission).

Conditions:
Hermansky-Pudlak syndrome 3 (HPS3). Identifiers: Orphanet 231512, Orphanet 79430, MedGen C3888001, MONDO:0013555, OMIM 614072.

Submission:

Myriad Genetics, Inc.
Classification: Likely pathogenic for Hermansky-Pudlak syndrome 3. Last evaluated: 2021-11-08. Review status: criteria provided, single submitter. Criteria: Myriad Women's Health Autosomal Recessive and X-Linked Classification Criteria (2021). Collection method: clinical testing. Allele origin: unknown.
Comment: NM_032383.3(HPS3):c.423T>A(C141*) is expected to be pathogenic in the context of Hermansky-Pudlak syndrome type 3. This variant is predicted to lead to an abnormal or absent protein product due to the creation of a premature termination codon in HPS3, a gene where loss-of-function variants are known to be pathogenic. Please note: this variant was assessed in the context of healthy population screening.

NM_032383.5(HPS3):c.423T>A (p.Cys141Ter)

Gene: HPS3 (HPS3 biogenesis of lysosomal organelles complex 2 subunit 1; plus strand). Cytogenetic location: 3q24.
Variant type: single nucleotide variant.
Coding change: c.423T>A on transcript NM_032383.5 (MANE Select); coding-DNA position 423, T replaced by A.
Protein change: p.Cys141Ter; replaces cysteine 141 with a stop codon.
Molecular consequence: nonsense. On other transcripts: intron variant (1).
Genome position (GRCh38, 1-based): chr3:149,140,209, T>A. VCF-style: chr3-149140209-T-A. GRCh37 (hg19) VCF-style: chr3-148857996-T-A.
Other names: c.218-808T>A (NM_001308258.2); short protein forms C141*.
Identifiers: ClinVar variation 1724263 (VCV001724263.2), dbSNP rs2473068670, ClinGen allele CA354911586.